The following is an entry in ClinVar:

ClinVar aggregate classification (germline): Uncertain significance (1 of 4 stars; one submission).

Conditions:
Familial thoracic aortic aneurysm and aortic dissection (TAAD). Also called: Thoracic aortic aneurysms and dissections. Identifiers: Orphanet 91387, MedGen C4707243, MONDO:0019625.

Submission:

Ambry Genetics
Classification: Uncertain significance for Familial thoracic aortic aneurysm and aortic dissection. Last evaluated: 2026-04-21. Review status: criteria provided, single submitter. Criteria: Ambry Variant Classification Scheme 2023. Collection method: clinical testing. Allele origin: germline.
Comment: The c.754+4A>C intronic variant results from an A to C substitution 4 nucleotides after coding exon 4 in the TGFB3 gene. This nucleotide position is well conserved in available vertebrate species. In silico splice site analysis for this alteration is inconclusive. Based on the available evidence, the clinical significance of this variant remains unclear.

NM_003239.5(TGFB3):c.754+4A>C

Gene: TGFB3 (transforming growth factor beta 3; minus strand). Cytogenetic location: 14q24.3.
Variant type: single nucleotide variant.
Coding change: c.754+4A>C on transcript NM_003239.5 (MANE Select); 4 bases into the intron after coding-DNA position 754, A replaced by C.
Molecular consequence: intron variant.
Genome position (GRCh38, 1-based): chr14:75,965,584, T>G on the plus strand (A>C on the coding strand, the complement: TGFB3 is on the minus strand). VCF-style: chr14-75965584-T-G. GRCh37 (hg19) VCF-style: chr14-76431927-T-G.
Other names: c.754+4A>C (NM_001329939.2, NM_001329938.2).
Identifiers: ClinVar variation 4865651 (VCV004865651.1).